The following is an entry in ClinVar:

ClinVar aggregate classification (germline): Uncertain significance (1 of 4 stars; one submission).

Submission:

Labcorp Genetics (formerly Invitae), Labcorp
Classification: Uncertain significance. Last evaluated: 2021-06-13. Review status: criteria provided, single submitter. Criteria: Invitae Variant Classification Sherloc (09022015). Collection method: clinical testing. Allele origin: germline.
Comment: In summary, the available evidence is currently insufficient to determine the role of this variant in disease. Therefore, it has been classified as a Variant of Uncertain Significance. Algorithms developed to predict the effect of missense changes on protein structure and function are either unavailable or do not agree on the potential impact of this missense change (SIFT: "Tolerated"; PolyPhen-2: "Possibly Damaging"; Align-GVGD: "Class C0"). This variant has not been reported in the literature in individuals with TUBGCP6-related conditions. This variant is not present in population databases (ExAC no frequency). This sequence change replaces arginine with leucine at codon 1236 of the TUBGCP6 protein (p.Arg1236Leu). The arginine residue is weakly conserved and there is a moderate physicochemical difference between arginine and leucine.

NM_020461.4(TUBGCP6):c.3707G>T (p.Arg1236Leu)

Gene: TUBGCP6 (tubulin gamma complex component 6; minus strand). Cytogenetic location: 22q13.33.
Variant type: single nucleotide variant.
Coding change: c.3707G>T on transcript NM_020461.4 (MANE Select); coding-DNA position 3707, G replaced by T.
Protein change: p.Arg1236Leu; replaces arginine 1236 with leucine.
Molecular consequence: missense variant.
Genome position (GRCh38, 1-based): chr22:50,220,652, C>A on the plus strand (G>T on the coding strand, the complement: TUBGCP6 is on the minus strand). VCF-style: chr22-50220652-C-A. GRCh37 (hg19) VCF-style: chr22-50659081-C-A.
Other names: short protein forms R1236L.
Identifiers: ClinVar variation 1498448 (VCV001498448.8), dbSNP rs763977994, ClinGen allele CA412180655.